The following is an entry in ClinVar:

NM_005005.3(NDUFB9):c.173C>T (p.Ala58Val)

Gene: NDUFB9 (NADH:ubiquinone oxidoreductase subunit B9; plus strand). Cytogenetic location: 8q24.13.
Variant type: single nucleotide variant.
Coding change: c.173C>T on transcript NM_005005.3 (MANE Select); coding-DNA position 173, C replaced by T.
Protein change: p.Ala58Val; replaces alanine 58 with valine.
Molecular consequence: missense variant.
Genome position (GRCh38, 1-based): chr8:124,543,158, C>T. VCF-style: chr8-124543158-C-T. GRCh37 (hg19) VCF-style: chr8-125555399-C-T.
Other names: c.5C>T, p.Ala2Val (NM_001278645.2); c.44C>T, p.Ala15Val (NM_001278646.2); c.140C>T, p.Ala47Val (NM_001311168.2); c.173C>T (NM_005005.2); short protein forms A15V, A2V, A47V, A58V.
Identifiers: ClinVar variation 1505549 (VCV001505549.9), dbSNP rs1156454853, ClinGen allele CA372172534.

ClinVar aggregate classification (germline): Conflicting classifications of pathogenicity. Review status: criteria provided, conflicting classifications (1 of 4 stars). 2 submissions from 2 submitters: Uncertain significance (1); Likely benign (1). Last evaluated 2025-08-12.

Allele frequency attached by ClinVar (database versions not stated): gnomAD exomes 0.00001; TOPMed 0.00001.
gnomAD v4.1: 14 of 1,614,194 alleles (0.00087%); highest among the groups gnomAD compares: Admixed American, 0.0017%; no homozygotes.

Submissions (2):

Ambry Genetics
Classification: Likely benign. Last evaluated: 2025-08-12. Review status: criteria provided, single submitter. Criteria: Ambry Variant Classification Scheme 2023. Collection method: clinical testing. Allele origin: germline.

Labcorp Genetics (formerly Invitae), Labcorp
Classification: Uncertain significance. Last evaluated: 2025-01-27. Review status: criteria provided, single submitter. Criteria: Invitae Variant Classification Sherloc (09022015). Collection method: clinical testing. Allele origin: germline.
Comment: This sequence change replaces alanine, which is neutral and non-polar, with valine, which is neutral and non-polar, at codon 58 of the NDUFB9 protein (p.Ala58Val). This variant is present in population databases (no rsID available, gnomAD 0.01%). This variant has not been reported in the literature in individuals affected with NDUFB9-related conditions. ClinVar contains an entry for this variant (Variation ID: 1505549). An algorithm developed to predict the effect of missense changes on protein structure and function outputs the following: PolyPhen-2: "Benign". The valine amino acid residue is found in multiple mammalian species, which suggests that this missense change does not adversely affect protein function. In summary, the available evidence is currently insufficient to determine the role of this variant in disease. Therefore, it has been classified as a Variant of Uncertain Significance.